The following is an entry in ClinVar:

ClinVar aggregate classification (germline): Uncertain significance (1 of 4 stars; one submission).

Conditions:
Neuronal ceroid lipofuscinosis 7 (CLN7). Also called: MFSD8-Related Neuronal Ceroid-Lipofuscinosis. Identifiers: Orphanet 168491, Orphanet 228366, MedGen C1838571, MONDO:0012588, OMIM 610951.

Submission:

Labcorp Genetics (formerly Invitae), Labcorp
Classification: Uncertain significance for Neuronal ceroid lipofuscinosis 7. Last evaluated: 2016-10-17. Review status: criteria provided, single submitter. Criteria: Invitae Variant Classification Sherloc (09022015). Collection method: clinical testing. Allele origin: germline.
Comment: This variant is a gross duplication of the genomic region encompassing exons 2-10 of the MFSD8 gene, which includes the start codon for the MFSD8 protein. The 5' end of this event is unknown as it extends beyond the assayed region for this gene and therefore may encompass the non-coding exon 1 and/or additional genes. The 3' boundary is likely confined to intron 10 of the MFSD8 gene. This variant has not been reported in the literature in individuals with a MFSD8-related disease. In summary, the exact genomic location of this variant is unknown and the impact of this duplication on MFSD8 protein function has not been established. Therefore, it has been classified as a Variant of Uncertain Significance.

NC_000004.11:g.(?_128851838)_(128886363_?)dup

Genes: MFSD8 (major facilitator superfamily domain containing 8; minus strand), LOC129993056 (ATAC-STARR-seq lymphoblastoid silent region 15676; plus strand), LOC129993057 (ATAC-STARR-seq lymphoblastoid silent region 15677; plus strand), LOC129993055 (ATAC-STARR-seq lymphoblastoid silent region 15675; plus strand). Cytogenetic location: 4q28.2.
Variant type: Duplication.
Identifiers: ClinVar variation 417451 (VCV000417451.1).